The following is an entry in ClinVar:

NM_000059.4(BRCA2):c.4694A>C (p.Lys1565Thr)

Gene: BRCA2 (BRCA2 DNA repair associated; plus strand). Cytogenetic location: 13q13.1.
Variant type: single nucleotide variant.
Coding change: c.4694A>C on transcript NM_000059.4 (MANE Select); coding-DNA position 4694, A replaced by C.
Protein change: p.Lys1565Thr; replaces lysine 1565 with threonine.
Molecular consequence: missense variant.
Genome position (GRCh38, 1-based): chr13:32,339,049, A>C. VCF-style: chr13-32339049-A-C. GRCh37 (hg19) VCF-style: chr13-32913186-A-C.
Other names: short protein forms K1565T.
Identifiers: ClinVar variation 1439686 (VCV001439686.9), dbSNP rs2137509148, ClinGen allele CA387782872.

ClinVar aggregate classification (germline): Conflicting classifications of pathogenicity. Review status: criteria provided, conflicting classifications (1 of 4 stars). 2 submissions from 2 submitters: Uncertain significance (1); Likely benign (1). Last evaluated 2023-03-23.

Conditions:
Hereditary cancer-predisposing syndrome. Also called: Neoplastic Syndromes, Hereditary; Hereditary Cancer Syndrome; Hereditary neoplastic syndrome; Tumor predisposition. Identifiers: Orphanet 140162, MedGen C0027672, MeSH D009386, MONDO:0015356.
Hereditary breast ovarian cancer syndrome. Also called: BRCA1- and BRCA2-Associated Hereditary Breast and Ovarian Cancer; Hereditary breast and ovarian cancer syndrome; Hereditary breast and ovarian cancer; Hereditary breast and ovarian cancer syndrome (HBOC); Breast and ovarian cancer; Hereditary breast and/or ovarian cancer syndrome. Identifiers: Orphanet 145, MedGen C0677776, MeSH D061325, MONDO:0003582. Disease mechanism: loss of function.

Submissions (2):

University of Washington Department of Laboratory Medicine, University of Washington
Classification: Likely benign for Hereditary cancer-predisposing syndrome. Last evaluated: 2023-03-23. Review status: criteria provided, single submitter. Criteria: Dines et al. (Genet Med. 2020). Collection method: curation. Allele origin: germline.
Comment: Missense variant in a coldspot region where missense variants are very unlikely to be pathogenic (PMID:31911673).

BRCA2 exon 11 coldspot. Reclassification based on statistical prior probability.

Labcorp Genetics (formerly Invitae), Labcorp
Classification: Uncertain significance for Hereditary breast ovarian cancer syndrome. Last evaluated: 2021-05-19. Review status: criteria provided, single submitter. Criteria: Invitae Variant Classification Sherloc (09022015). Collection method: clinical testing. Allele origin: germline.
Comment: This variant is not present in population databases (ExAC no frequency). This sequence change replaces lysine with threonine at codon 1565 of the BRCA2 protein (p.Lys1565Thr). The lysine residue is weakly conserved and there is a moderate physicochemical difference between lysine and threonine. This variant has not been reported in the literature in individuals with BRCA2-related conditions. Advanced modeling of protein sequence and biophysical properties (such as structural, functional, and spatial information, amino acid conservation, physicochemical variation, residue mobility, and thermodynamic stability) performed at Invitae indicates that this missense variant is not expected to disrupt BRCA2 protein function. In summary, the available evidence is currently insufficient to determine the role of this variant in disease. Therefore, it has been classified as a Variant of Uncertain Significance.